The following is an entry in ClinVar:

Conditions:
Breast-ovarian cancer, familial, susceptibility to, 1 (BROVCA1). Also called: BRCA1 Hereditary Breast and Ovarian Cancer; OVARIAN CANCER, SUSCEPTIBILITY TO. Identifiers: Orphanet 145, MedGen C2676676, MONDO:0011450, OMIM 604370. Disease mechanism: loss of function.

Submission:

Brotman Baty Institute, University of Washington
No classification provided (evidence only). Condition: Breast-ovarian cancer, familial 1. Review status: no classification provided. Collection method: in vitro. Allele origin: not applicable. Functional consequence: functionally_normal.
ClinVar note: "not provided" was previously submitted as the classification for the variant. However, the classification appeared to be based only on an observation of functional data so it was converted to no classification on 2025-07-30.

NM_007294.4(BRCA1):c.5332+16A>T

Gene: BRCA1 (BRCA1 DNA repair associated; minus strand). Cytogenetic location: 17q21.31.
Variant type: single nucleotide variant.
Coding change: c.5332+16A>T on transcript NM_007294.4 (MANE Select); 16 bases into the intron after coding-DNA position 5332, A replaced by T.
Molecular consequence: intron variant.
Genome position (GRCh38, 1-based): chr17:43,051,047, T>A on the plus strand (A>T on the coding strand, the complement: BRCA1 is on the minus strand). VCF-style: chr17-43051047-T-A. GRCh37 (hg19) VCF-style: chr17-41203064-T-A.
Other names: c.1639+16A>T (NM_001408511.1); c.1882+16A>T (NM_001408457.1, NM_001408454.1, NM_001408456.1 and 3 more transcripts); c.5191+16A>T (NM_001407692.1, NM_001407729.1, NM_001407698.1 and 13 more transcripts); c.4948+16A>T (NM_001407960.1, NM_001407962.1); c.1753+16A>T (NM_001408505.1); c.4870+16A>T (NM_001407964.1); c.5185+16A>T (NM_001407844.1, NM_001407851.1, NM_001407849.1 and 12 more transcripts); c.5188+16A>T (NM_001407743.1, NM_001407735.1, NM_001407744.1 and 21 more transcripts); and 74 more.
Identifiers: ClinVar variation 865332 (VCV000865332.3), dbSNP rs1057522497, ClinGen allele CA916080986.